The following is an entry in ClinVar:

NM_016030.6(TRAPPC12):c.1164+1G>T

Gene: TRAPPC12 (trafficking protein particle complex subunit 12; plus strand). Cytogenetic location: 2p25.3.
Variant type: single nucleotide variant.
Coding change: c.1164+1G>T on transcript NM_016030.6 (MANE Select); the canonical splice donor site of the intron after coding-DNA position 1164, G replaced by T.
Molecular consequence: splice donor variant.
Genome position (GRCh38, 1-based): chr2:3,401,894, G>T. VCF-style: chr2-3401894-G-T. GRCh37 (hg19) VCF-style: chr2-3405665-G-T.
Other names: c.1164+1G>T (NM_001321102.2).
Identifiers: ClinVar variation 2692483 (VCV002692483.1), dbSNP rs755967000, ClinGen allele CA345730949.
Genomic context (GRCh38, chr2:3,401,894, plus strand): 5'-AGACAAGTCCTAAATGCCGACTCAGTGGAACAATCTTTTGTTGGATTGAAACAGCTAATC[G>T]TAAGTGACAATGTGTTTGATTTCAGTGTTGTTTTGTGATAAGTCCTGCCTGCCTTCATAA-3'

ClinVar aggregate classification (germline): Likely pathogenic (1 of 4 stars; one submission).

Conditions:
Early-onset progressive encephalopathy-hearing loss-pons hypoplasia-brain atrophy syndrome. Also called: ENCEPHALOPATHY, PROGRESSIVE, EARLY-ONSET, WITH BRAIN ATROPHY AND SPASTICITY. Identifiers: Orphanet 500144, MedGen C5567229, MONDO:0044696, OMIM 617669.

Submission:

Greenwood Genetic Center Diagnostic Laboratories, Greenwood Genetic Center
Classification: Likely pathogenic for Early-onset progressive encephalopathy-hearing loss-pons hypoplasia-brain atrophy syndrome. Last evaluated: 2023-12-04. Review status: criteria provided, single submitter. Criteria: ACMG Guidelines, 2015. Collection method: clinical testing. Allele origin: germline. Affected: yes.
Comment: PM2, PP3_Strong